The following is an entry in ClinVar:

NM_000390.4(CHM):c.1308C>A (p.Asp436Glu)

Gene: CHM (CHM Rab escort protein; minus strand). Cytogenetic location: Xq21.2.
Variant type: single nucleotide variant.
Coding change: c.1308C>A on transcript NM_000390.4 (MANE Select); coding-DNA position 1308, C replaced by A.
Protein change: p.Asp436Glu; replaces aspartic acid 436 with glutamic acid.
Molecular consequence: missense variant.
Genome position (GRCh38, 1-based): chrX:85,901,125, G>T on the plus strand (C>A on the coding strand, the complement: CHM is on the minus strand). VCF-style: chrX-85901125-G-T. GRCh37 (hg19) VCF-style: chrX-85156130-G-T.
Other names: c.864C>A, p.Asp288Glu (NM_001320959.1, NM_001362517.1, NM_001362518.2 and 1 more transcripts); short protein forms D288E, D436E.
Identifiers: ClinVar variation 2983821 (VCV002983821.4), dbSNP rs1376897010, ClinGen allele CA413789705.

ClinVar aggregate classification (germline): Uncertain significance. Review status: criteria provided, multiple submitters, no conflicts (2 of 4 stars). 3 submissions from 3 submitters: Uncertain significance (3). Last evaluated 2025-09-03.

Conditions:
Retinal dystrophy. Also called: Inherited retinal dystrophy. Identifiers: Orphanet 71862, MedGen C0854723, MeSH D058499, MONDO:0019118, HP:0000556.

gnomAD v4.1: 10 of 1,204,168 alleles (0.00083%); highest among the groups gnomAD compares: East Asian, 0.03%; no homozygotes.

Submissions (3):

Labcorp Genetics (formerly Invitae), Labcorp
Classification: Uncertain significance. Last evaluated: 2025-09-03. Review status: criteria provided, single submitter. Criteria: Invitae Variant Classification Sherloc (09022015). Collection method: clinical testing. Allele origin: germline.
Comment: This sequence change replaces aspartic acid, which is acidic and polar, with glutamic acid, which is acidic and polar, at codon 436 of the CHM protein (p.Asp436Glu). The frequency data for this variant in the population databases is considered unreliable, as metrics indicate poor data quality at this position in the gnomAD database. This variant has not been reported in the literature in individuals affected with CHM-related conditions. ClinVar contains an entry for this variant (Variation ID: 2983821). Invitae Evidence Modeling of protein sequence and biophysical properties (such as structural, functional, and spatial information, amino acid conservation, physicochemical variation, residue mobility, and thermodynamic stability) indicates that this missense variant is not expected to disrupt CHM protein function with a negative predictive value of 80%. In summary, the available evidence is currently insufficient to determine the role of this variant in disease. Therefore, it has been classified as a Variant of Uncertain Significance.

Dept Of Ophthalmology, Nagoya University
Classification: Uncertain significance for Retinal dystrophy. Last evaluated: 2023-10-01. Review status: criteria provided, single submitter. Criteria: Submitter's publication. Collection method: research. Allele origin: germline. Affected: yes.

Blueprint Genetics
Classification: Uncertain significance. Last evaluated: 2018-05-20. Review status: criteria provided, single submitter. Criteria: ACMG Guidelines, 2015. Collection method: clinical testing. Allele origin: germline.